The following is an entry in ClinVar:

NM_181507.2(HPS5):c.2713C>T (p.Gln905Ter)

Gene: HPS5 (HPS5 biogenesis of lysosomal organelles complex 2 subunit 2; minus strand). Cytogenetic location: 11p15.1.
Variant type: single nucleotide variant.
Coding change: c.2713C>T on transcript NM_181507.2 (MANE Select); coding-DNA position 2713, C replaced by T.
Protein change: p.Gln905Ter; replaces glutamine 905 with a stop codon.
Molecular consequence: nonsense.
Genome position (GRCh38, 1-based): chr11:18,287,539, G>A on the plus strand (C>T on the coding strand, the complement: HPS5 is on the minus strand). VCF-style: chr11-18287539-G-A. GRCh37 (hg19) VCF-style: chr11-18309086-G-A.
Other names: c.2371C>T, p.Gln791Ter (NM_007216.4, NM_181508.2); short protein forms Q791*, Q905*.
Identifiers: ClinVar variation 2705746 (VCV002705746.3), dbSNP rs1590059865, ClinGen allele CA379518507.

ClinVar aggregate classification (germline): Pathogenic (1 of 4 stars; one submission).

gnomAD v4.1: 1 of 1,614,046 alleles (0.000062%); highest among the groups gnomAD compares: Non-Finnish European, 0.000085%; no homozygotes.

Submission:

Labcorp Genetics (formerly Invitae), Labcorp
Classification: Pathogenic. Last evaluated: 2023-12-26. Review status: criteria provided, single submitter. Criteria: Invitae Variant Classification Sherloc (09022015). Collection method: clinical testing. Allele origin: germline.
Comment: This sequence change creates a premature translational stop signal (p.Gln905*) in the HPS5 gene. It is expected to result in an absent or disrupted protein product. Loss-of-function variants in HPS5 are known to be pathogenic (PMID: 12548288, 15296495, 21833017, 26785811). This variant is not present in population databases (gnomAD no frequency). This variant has not been reported in the literature in individuals affected with HPS5-related conditions. For these reasons, this variant has been classified as Pathogenic.

Literature cited by the submitters: PubMed 12548288; PubMed 15296495; PubMed 21833017; PubMed 26785811.